The following is an entry in ClinVar:

ClinVar aggregate classification (germline): Uncertain significance (1 of 4 stars; one submission).

Conditions:
DNA ligase IV deficiency. Identifiers: Orphanet 99812, MedGen C1847827, MONDO:0011686, OMIM 606593.

Submission:

Labcorp Genetics (formerly Invitae), Labcorp
Classification: Uncertain significance for DNA ligase IV deficiency. Last evaluated: 2022-12-22. Review status: criteria provided, single submitter. Criteria: Invitae Variant Classification Sherloc (09022015). Collection method: clinical testing. Allele origin: germline.
Comment: This variant is present in population databases (no rsID available, gnomAD 0.006%), including at least one homozygous and/or hemizygous individual. This sequence change replaces tyrosine, which is neutral and polar, with cysteine, which is neutral and slightly polar, at codon 548 of the LIG4 protein (p.Tyr548Cys). This variant has not been reported in the literature in individuals affected with LIG4-related conditions. Algorithms developed to predict the effect of missense changes on protein structure and function (SIFT, PolyPhen-2, Align-GVGD) all suggest that this variant is likely to be disruptive. In summary, the available evidence is currently insufficient to determine the role of this variant in disease. Therefore, it has been classified as a Variant of Uncertain Significance.

NM_206937.2(LIG4):c.1643A>G (p.Tyr548Cys)

Gene: LIG4 (DNA ligase 4; minus strand). Cytogenetic location: 13q33.3.
Variant type: single nucleotide variant.
Coding change: c.1643A>G on transcript NM_206937.2 (MANE Select); coding-DNA position 1643, A replaced by G.
Protein change: p.Tyr548Cys; replaces tyrosine 548 with cysteine.
Molecular consequence: missense variant.
Genome position (GRCh38, 1-based): chr13:108,209,626, T>C on the plus strand (A>G on the coding strand, the complement: LIG4 is on the minus strand). VCF-style: chr13-108209626-T-C. GRCh37 (hg19) VCF-style: chr13-108861974-T-C.
Other names: c.1643A>G, p.Tyr548Cys (NM_001098268.2, NM_001352598.2, NM_001352599.2 and 6 more transcripts); c.1442A>G, p.Tyr481Cys (NM_001330595.2); c.1679A>G, p.Tyr560Cys (NM_001352604.2); short protein forms Y560C, Y481C, Y548C.
Identifiers: ClinVar variation 2820419 (VCV002820419.3), dbSNP rs1204420389, ClinGen allele CA388616584.